The following is an entry in ClinVar:

NM_001372.4(DNAH9):c.9197C>T (p.Thr3066Ile)

Gene: DNAH9 (dynein axonemal heavy chain 9; plus strand). Cytogenetic location: 17p12.
Variant type: single nucleotide variant.
Coding change: c.9197C>T on transcript NM_001372.4 (MANE Select); coding-DNA position 9197, C replaced by T.
Protein change: p.Thr3066Ile; replaces threonine 3066 with isoleucine.
Molecular consequence: missense variant.
Genome position (GRCh38, 1-based): chr17:11,822,985, C>T. VCF-style: chr17-11822985-C-T. GRCh37 (hg19) VCF-style: chr17-11726302-C-T.
Other names: short protein forms T3066I.
Identifiers: ClinVar variation 4979270 (VCV004979270.1).

ClinVar aggregate classification (germline): Likely benign (1 of 4 stars; one submission).

Conditions:
DNAH9-related disorder. Also called: DNAH9-related condition.

gnomAD v4.1: 190 of 1,614,178 alleles (0.012%); highest among the groups gnomAD compares: South Asian, 0.2%; 1 homozygote.

Submission:

PreventionGenetics, part of Exact Sciences
Classification: Likely benign for DNAH9-related condition. Last evaluated: 2026-05-07. Review status: criteria provided, single submitter. Criteria: ACMG Guidelines, 2015. Collection method: clinical testing. Allele origin: germline.
Comment: This variant is classified as likely benign based on ACMG/AMP sequence variant interpretation guidelines (Richards et al. 2015 PMID: 25741868, with internal and published modifications).